The following is an entry in ClinVar:

ClinVar aggregate classification (germline): Pathogenic (1 of 4 stars; one submission).

Conditions:
Propionic acidemia (PROP). Also called: GLYCINEMIA, KETOTIC; HYPERGLYCINEMIA WITH KETOACIDOSIS AND LEUKOPENIA; KETOTIC HYPERGLYCINEMIA. Identifiers: Orphanet 35, MedGen C0268579, MONDO:0011628, OMIM 606054, HP:0003571.

Submission:

Labcorp Genetics (formerly Invitae), Labcorp
Classification: Pathogenic for Propionic acidemia. Last evaluated: 2021-03-22. Review status: criteria provided, single submitter. Criteria: Invitae Variant Classification Sherloc (09022015). Collection method: clinical testing. Allele origin: germline.
Comment: For these reasons, this variant has been classified as Pathogenic. This sequence change creates a premature translational stop signal (p.Glu357Leufs*14) in the PCCA gene. It is expected to result in an absent or disrupted protein product. Loss-of-function variants in PCCA are known to be pathogenic (PMID: 15464417). This variant is not present in population databases (ExAC no frequency). This variant has not been reported in the literature in individuals with PCCA-related conditions.

Literature cited by the submitters: PubMed 15464417.

NM_000282.4(PCCA):c.1067_1068insCT (p.Glu357fs)

Gene: PCCA (propionyl-CoA carboxylase subunit alpha; plus strand). Cytogenetic location: 13q32.3.
Variant type: Insertion.
Coding change: c.1067_1068insCT on transcript NM_000282.4 (MANE Select); coding-DNA positions 1067 to 1068, CT inserted.
Protein change: p.Glu357fs; shifts the reading frame from glutamic acid 357.
Molecular consequence: frameshift variant. On other transcripts: non-coding transcript variant (5), intron variant (3).
Genome position: GRCh38 VCF-style: chr13-100301460-G-GTC. GRCh37 (hg19) VCF-style: chr13-100953714-G-GTC.
Other names: c.989_990insCT, p.Glu331fs (NM_001127692.3, NM_001352607.2); c.1067_1068insCT, p.Glu357fs (NM_001178004.2, NM_001352605.2, NM_001352609.2); c.122_123insCT, p.Glu42fs (NM_001352610.2, NM_001352611.2); c.1066-1463_1066-1462insCT (NM_001352606.2); c.121-1463_121-1462insCT (NM_001352612.2); c.988-1463_988-1462insCT (NM_001352608.2); short protein forms E42fs, E331fs, E357fs.
Identifiers: ClinVar variation 1403120 (VCV001403120.6), dbSNP rs2152683826, ClinGen allele CA2573149424.
Genomic context (GRCh38, chr13:100,301,460, plus strand): 5'-TTTGTTTCTATTTATTTACCCTTTTCTACACCTACTGACTGGCAGACCTTGGCCTTGCAG[G>GTC]TTGAGCATCCTGTCACAGAATGCATTACTGGCCTGGACCTAGTCCAGGAAATGATCCGTG-3'